The following is an entry in ClinVar:

ClinVar aggregate classification (germline): Benign (1 of 4 stars; one submission).

Allele frequency attached by ClinVar (database versions not stated): gnomAD 0.02786 and 0.02990; TOPMed 0.03178; 1000 Genomes Project 0.03375; 1000 Genomes Project 30x 0.03607.
gnomAD v4.1: 4,202 of 152,178 alleles (2.8%); highest among the groups gnomAD compares: African/African-American, 9.5%; 207 homozygotes.

Submission:

GeneDx
Classification: Benign. Last evaluated: 2018-06-14. Review status: criteria provided, single submitter. Criteria: GeneDx Variant Classification (06012015). Collection method: clinical testing. Allele origin: germline. Affected: yes.
Comment: This variant is considered likely benign or benign based on one or more of the following criteria: it is a conservative change, it occurs at a poorly conserved position in the protein, it is predicted to be benign by multiple in silico algorithms, and/or has population frequency not consistent with disease.

NM_001943.5(DSG2):c.2001+308C>T

Gene: DSG2 (desmoglein 2; plus strand). Cytogenetic location: 18q12.1.
Variant type: single nucleotide variant.
Coding change: c.2001+308C>T on transcript NM_001943.5 (MANE Select); 308 bases into the intron after coding-DNA position 2001, C replaced by T.
Molecular consequence: intron variant.
Genome position (GRCh38, 1-based): chr18:31,541,622, C>T. VCF-style: chr18-31541622-C-T. GRCh37 (hg19) VCF-style: chr18-29121585-C-T.
Identifiers: ClinVar variation 671610 (VCV000671610.1), dbSNP rs7233222, ClinGen allele CA297699814.